The following is an entry in ClinVar:

NM_002528.7(NTHL1):c.502A>G (p.Ile168Val)

Gene: NTHL1 (nth like DNA glycosylase 1; minus strand). Cytogenetic location: 16p13.3.
Variant type: single nucleotide variant.
Coding change: c.502A>G on transcript NM_002528.7 (MANE Select); coding-DNA position 502, A replaced by G.
Protein change: p.Ile168Val; replaces isoleucine 168 with valine.
Molecular consequence: missense variant. On other transcripts: intron variant (1).
Genome position (GRCh38, 1-based): chr16:2,044,653, T>C on the plus strand (A>G on the coding strand, the complement: NTHL1 is on the minus strand). VCF-style: chr16-2044653-T-C. GRCh37 (hg19) VCF-style: chr16-2094654-T-C.
Other names: c.172A>G, p.Ile58Val (NM_001318194.2); c.355-927A>G (NM_001318193.2); short protein forms I168V, I58V.
Identifiers: ClinVar variation 825599 (VCV000825599.8), dbSNP rs1596220283, ClinGen allele CA394294123.
Genomic context (GRCh38, chr16:2,044,653, plus strand): 5'-CTGCCACCCGGCCCCCGTTGCCACAGGCAGGGCTCACCCTCCAGAAACCGACGGGGTAGA[T>C]GAGCTTGCCCAGCGTGGCATCATCTGTCTGCAGGATGCTGTCCACCGTCAGGCCCCGCGC-3'
Protein context (NP_002519.2, residues 158-178): QTDDATLGKL[Ile168Val]YPVGFWRSKV

ClinVar aggregate classification (germline): Uncertain significance. Review status: criteria provided, multiple submitters, no conflicts (2 of 4 stars). 2 submissions from 2 submitters: Uncertain significance (2). Last evaluated 2025-12-15.

Conditions:
Hereditary cancer-predisposing syndrome. Also called: Hereditary Cancer Syndrome; Tumor predisposition; Neoplastic Syndromes, Hereditary; Hereditary neoplastic syndrome. Identifiers: Orphanet 140162, MedGen C0027672, MeSH D009386, MONDO:0015356.

Submissions (2):

Ambry Genetics
Classification: Uncertain significance for Hereditary cancer-predisposing syndrome. Last evaluated: 2025-12-15. Review status: criteria provided, single submitter. Criteria: Ambry Variant Classification Scheme 2023. Collection method: clinical testing. Allele origin: germline.
Comment: The p.I176V variant (also known as c.526A>G), located in coding exon 3 of the NTHL1 gene, results from an A to G substitution at nucleotide position 526. The isoleucine at codon 176 is replaced by valine, an amino acid with highly similar properties. This amino acid position is highly conserved in available vertebrate species. In addition, this alteration is predicted to be deleterious by in silico analysis. Since supporting evidence is limited at this time, the clinical significance of this alteration remains unclear.

Labcorp Genetics (formerly Invitae), Labcorp
Classification: Uncertain significance. Last evaluated: 2023-11-24. Review status: criteria provided, single submitter. Criteria: Invitae Variant Classification Sherloc (09022015). Collection method: clinical testing. Allele origin: germline.
Comment: This sequence change replaces isoleucine, which is neutral and non-polar, with valine, which is neutral and non-polar, at codon 176 of the NTHL1 protein (p.Ile176Val). This variant is not present in population databases (gnomAD no frequency). This variant has not been reported in the literature in individuals affected with NTHL1-related conditions. ClinVar contains an entry for this variant (Variation ID: 825599). An algorithm developed to predict the effect of missense changes on protein structure and function (PolyPhen-2) suggests that this variant is likely to be disruptive. In summary, the available evidence is currently insufficient to determine the role of this variant in disease. Therefore, it has been classified as a Variant of Uncertain Significance.